The following is an entry in ClinVar:

NM_006267.5(RANBP2):c.1902T>A (p.His634Gln)

Gene: RANBP2 (RAN binding protein 2; plus strand). Cytogenetic location: 2q13.
Variant type: single nucleotide variant.
Coding change: c.1902T>A on transcript NM_006267.5 (MANE Select); coding-DNA position 1902, T replaced by A.
Protein change: p.His634Gln; replaces histidine 634 with glutamine.
Molecular consequence: missense variant.
Genome position (GRCh38, 1-based): chr2:108,753,144, T>A. VCF-style: chr2-108753144-T-A. GRCh37 (hg19) VCF-style: chr2-109369600-T-A.
Other names: short protein forms H634Q.
Identifiers: ClinVar variation 1470173 (VCV001470173.8), dbSNP rs2149230602, ClinGen allele CA348052217.

ClinVar aggregate classification (germline): Uncertain significance (1 of 4 stars; one submission).

Conditions:
Familial acute necrotizing encephalopathy (IIAE3). Also called: ENCEPHALOPATHY, ACUTE, INFECTION-INDUCED, SUSCEPTIBILITY TO, 3; Susceptibility to Acute Necrotizing Encephalopathy 1. Identifiers: Orphanet 88619, MedGen C2675556, MONDO:0011953, OMIM 608033.

Submission:

Labcorp Genetics (formerly Invitae), Labcorp
Classification: Uncertain significance for Familial acute necrotizing encephalopathy. Last evaluated: 2022-02-11. Review status: criteria provided, single submitter. Criteria: Invitae Variant Classification Sherloc (09022015). Collection method: clinical testing. Allele origin: germline.
Comment: This sequence change replaces histidine, which is basic and polar, with glutamine, which is neutral and polar, at codon 634 of the RANBP2 protein (p.His634Gln). This variant is not present in population databases (gnomAD no frequency). This variant has not been reported in the literature in individuals affected with RANBP2-related conditions. Algorithms developed to predict the effect of missense changes on protein structure and function are either unavailable or do not agree on the potential impact of this missense change (SIFT: "Deleterious"; PolyPhen-2: "Benign"; Align-GVGD: "Class C15"). In summary, the available evidence is currently insufficient to determine the role of this variant in disease. Therefore, it has been classified as a Variant of Uncertain Significance.